The following is an entry in ClinVar:

NM_006231.4(POLE):c.3796-58A>G

Gene: POLE (DNA polymerase epsilon, catalytic subunit; minus strand). Cytogenetic location: 12q24.33.
Variant type: single nucleotide variant.
Coding change: c.3796-58A>G on transcript NM_006231.4 (MANE Select); 58 bases into the intron before coding-DNA position 3796, A replaced by G.
Molecular consequence: intron variant.
Genome position (GRCh38, 1-based): chr12:132,649,573, T>C on the plus strand (A>G on the coding strand, the complement: POLE is on the minus strand). VCF-style: chr12-132649573-T-C. GRCh37 (hg19) VCF-style: chr12-133226159-T-C.
Identifiers: ClinVar variation 676494 (VCV000676494.2), dbSNP rs4883613, ClinGen allele CA13640033.
Genomic context (GRCh38, chr12:132,649,573, plus strand): 5'-CTCCTGGGATGGATGGTGAGCACAGCCAGTGTGCAAGTGGTGAGATGGGAATGCCCGCCA[T>C]GACTTTCTCACAAGCAGCCTCCCTAGGGGTCAGGACGCATCTCGGGCTCCCTGGGCTGTG-3'

ClinVar aggregate classification (germline): Benign. Review status: criteria provided, multiple submitters, no conflicts (2 of 4 stars). 2 submissions from 2 submitters: Benign (2). Last evaluated 2018-06-20.

Allele frequency attached by ClinVar (database versions not stated): gnomAD exomes 0.60539; gnomAD 0.68628 and 0.68884; TOPMed 0.70477; 1000 Genomes Project 0.72883; 1000 Genomes Project 30x 0.73392.
gnomAD v4.1: 979,827 of 1,597,112 alleles (61%); highest among the groups gnomAD compares: African/African-American, 86%; 305,402 homozygotes.

Submissions (2):

GeneDx
Classification: Benign. Last evaluated: 2018-06-20. Review status: criteria provided, single submitter. Criteria: GeneDx Variant Classification (06012015). Collection method: clinical testing. Allele origin: germline. Affected: yes.
Comment: This variant is considered likely benign or benign based on one or more of the following criteria: it is a conservative change, it occurs at a poorly conserved position in the protein, it is predicted to be benign by multiple in silico algorithms, and/or has population frequency not consistent with disease.

Breakthrough Genomics
Classification: Benign. Review status: criteria provided, single submitter. Criteria: ACMG Guidelines, 2015. Collection method: not provided. Allele origin: germline. Inheritance: Autosomal recessive inheritance. Affected: yes.